The following is an entry in ClinVar:

ClinVar aggregate classification (germline): Pathogenic (1 of 4 stars; one submission).

Conditions:
Bloom syndrome (BLM). Also called: Bloom-Torre-Machacek syndrome. Identifiers: Orphanet 125, MedGen C0005859, MONDO:0008876, OMIM 210900.

Submission:

Labcorp Genetics (formerly Invitae), Labcorp
Classification: Pathogenic for Bloom syndrome. Last evaluated: 2021-05-05. Review status: criteria provided, single submitter. Criteria: Invitae Variant Classification Sherloc (09022015). Collection method: clinical testing. Allele origin: germline.
Comment: For these reasons, this variant has been classified as Pathogenic. This variant has not been reported in the literature in individuals with BLM-related conditions. This variant is not present in population databases (ExAC no frequency). This sequence change creates a premature translational stop signal (p.Asp264Argfs*2) in the BLM gene. It is expected to result in an absent or disrupted protein product. Loss-of-function variants in BLM are known to be pathogenic (PMID: 17407155).

Literature cited by the submitters: PubMed 17407155.

NM_000057.4(BLM):c.789dup (p.Asp264fs)

Gene: BLM (BLM RecQ like helicase; plus strand). Cytogenetic location: 15q26.1.
Variant type: Duplication.
Coding change: c.789dup on transcript NM_000057.4 (MANE Select); coding-DNA position 789, one base duplicated (A; older notation c.789dupA).
Protein change: p.Asp264fs; shifts the reading frame from aspartic acid 264.
Molecular consequence: frameshift variant. On other transcripts: 5 prime UTR variant (1).
Genome position (GRCh38, 1-based): chr15:90,750,057, A duplicated; the last of 2 consecutive A bases (chr15:90,750,056-90,750,057); duplicating either gives the same sequence. VCF-style (leftmost placement, unchanged base first): chr15-90750055-G-GA. GRCh37 (hg19) VCF-style: chr15-91293285-G-GA.
Other names: c.789dup, p.Asp264fs (NM_001287246.2, NM_001287247.2); c.-503dup (NM_001287248.2); short protein forms D264fs.
Identifiers: ClinVar variation 1451184 (VCV001451184.6), dbSNP rs2151148207, ClinGen allele CA2573151385.